The following is an entry in ClinVar:

NM_004046.6(ATP5F1A):c.-39T>C

Genes: ATP5F1A (ATP synthase F1 subunit alpha; minus strand), LOC126862738 (BRD4-independent group 4 enhancer GRCh37_chr18:43677662-43678861; plus strand). Cytogenetic location: 18q21.1.
Variant type: single nucleotide variant.
Coding change: c.-39T>C on transcript NM_004046.6 (MANE Select); 39 bases upstream of the start codon, T replaced by C.
Molecular consequence: 5 prime UTR variant.
Genome position (GRCh38, 1-based): chr18:46,098,270, A>G on the plus strand (T>C on the coding strand, the complement: ATP5F1A is on the minus strand). VCF-style: chr18-46098270-A-G. GRCh37 (hg19) VCF-style: chr18-43678236-A-G.
Other names: c.-262T>C (NM_001001935.3); c.-39T>C (NM_001001937.2, NM_001257334.2); c.-525T>C (NM_001257335.2).
Identifiers: ClinVar variation 382276 (VCV000382276.2), dbSNP rs376799900, ClinGen allele CA8951034.

ClinVar aggregate classification (germline): Likely benign. Review status: criteria provided, multiple submitters, no conflicts (2 of 4 stars). 2 submissions from 2 submitters: Likely benign (2). Last evaluated 2017-09-02.

Allele frequency attached by ClinVar (database versions not stated): 1000 Genomes Project 30x 0.00156; 1000 Genomes Project 0.00180; ESP Exome Variant Server 0.00360; TOPMed 0.00387; gnomAD 0.00415 and 0.00422.
gnomAD v4.1: 9,581 of 1,588,068 alleles (0.6%); highest among the groups gnomAD compares: Non-Finnish European, 0.73%; 34 homozygotes.

Submissions (2):

GeneDx
Classification: Likely benign. Last evaluated: 2017-09-02. Review status: criteria provided, single submitter. Criteria: GeneDx Variant Classification (06012015). Collection method: clinical testing. Allele origin: germline. Affected: yes.
Comment: This variant is considered likely benign or benign based on one or more of the following criteria: it is a conservative change, it occurs at a poorly conserved position in the protein, it is predicted to be benign by multiple in silico algorithms, and/or has population frequency not consistent with disease.

Breakthrough Genomics
Classification: Likely benign. Review status: criteria provided, single submitter. Criteria: ACMG Guidelines, 2015. Collection method: not provided. Allele origin: germline. Inheritance: Autosomal recessive inheritance. Affected: yes.